The following is an entry in ClinVar:

NM_000038.6(APC):c.135+1G>C

Gene: APC (APC regulator of Wnt signaling pathway; plus strand). Cytogenetic location: 5q22.2.
Variant type: single nucleotide variant.
Coding change: c.135+1G>C on transcript NM_000038.6 (MANE Select); the canonical splice donor site of the intron after coding-DNA position 135, G replaced by C.
Molecular consequence: splice donor variant. On other transcripts: intron variant (11).
Genome position (GRCh38, 1-based): chr5:112,755,026, G>C. VCF-style: chr5-112755026-G-C. GRCh37 (hg19) VCF-style: chr5-112090723-G-C.
Other names: c.-901+1G>C (NM_001407470.1, NM_001407472.1, NM_001354906.2 and 1 more transcripts); c.135+1G>C (NM_001407447.1, NM_001354895.2, NM_001407456.1 and 16 more transcripts); c.166-11300G>C (NM_001407446.1, NM_001354897.2, NM_001354902.2 and 1 more transcripts); c.-42-11300G>C (NM_001407453.1, NM_001354900.2, NM_001354901.2 and 1 more transcripts); c.61-11300G>C (NM_001407451.1, NM_001354898.2, NM_001354904.2).
Identifiers: ClinVar variation 1770580 (VCV001770580.2), dbSNP rs750508765, ClinGen allele CA360617453.
Genomic context (GRCh38, chr5:112,755,026, plus strand): 5'-GAGCTAGAAGATAATTCCAATCATCTTACAAAACTGGAAACTGAGGCATCTAATATGAAG[G>C]TATCAAGACTGTGACTTTTAATTGTAGTTTATCCATTTTTATTCAGTATTCCCTCTTGTA-3'

ClinVar aggregate classification (germline): Likely pathogenic (1 of 4 stars; one submission).

Conditions:
Hereditary cancer-predisposing syndrome. Also called: Hereditary Cancer Syndrome; Hereditary neoplastic syndrome; Neoplastic Syndromes, Hereditary; Tumor predisposition. Identifiers: Orphanet 140162, MedGen C0027672, MeSH D009386, MONDO:0015356.

Submission:

Ambry Genetics
Classification: Likely pathogenic for Hereditary cancer-predisposing syndrome. Last evaluated: 2020-11-13. Review status: criteria provided, single submitter. Criteria: Ambry Variant Classification Scheme 2023. Collection method: clinical testing. Allele origin: germline.
Comment: The c.135+1G>C intronic variant results from a G to C substitution one nucleotide after coding exon 1 of the APC gene. This nucleotide position is highly conserved in available vertebrate species. RNA studies have demonstrated that this alteration results in abnormal splicing in the set of samples tested (Ambry internal data). This variant is considered to be rare based on population cohorts in the Genome Aggregation Database (gnomAD). In silico splice site analysis predicts that this alteration will weaken the native splice donor site. Alterations that disrupt the canonical splice site are expected to cause aberrant splicing, resulting in an abnormal protein or a transcript that is subject to nonsense-mediated mRNA decay. Based on the majority of available evidence to date, this variant is likely to be pathogenic. However, variants at this splice site are associated with an attenuated phenotype and may have reduced penetrance compared to classic familial adenomatous polyposis syndrome. Clinical correlation is advised.